The following is an entry in ClinVar:

NM_000059.4(BRCA2):c.9117+6A>G

Gene: BRCA2 (BRCA2 DNA repair associated; plus strand). Cytogenetic location: 13q13.1.
Variant type: single nucleotide variant.
Coding change: c.9117+6A>G on transcript NM_000059.4 (MANE Select); 6 bases into the intron after coding-DNA position 9117, A replaced by G.
Molecular consequence: intron variant.
Genome position (GRCh38, 1-based): chr13:32,379,919, A>G. VCF-style: chr13-32379919-A-G. GRCh37 (hg19) VCF-style: chr13-32954056-A-G.
Identifiers: ClinVar variation 2131925 (VCV002131925.4), dbSNP rs2072911516, ClinGen allele CA2082839514.

ClinVar aggregate classification (germline): Uncertain significance (1 of 4 stars; one submission).

Conditions:
Hereditary breast ovarian cancer syndrome. Also called: Hereditary breast and ovarian cancer; Hereditary breast and/or ovarian cancer syndrome; Hereditary breast and ovarian cancer syndrome (HBOC); Breast and ovarian cancer; Hereditary breast and ovarian cancer syndrome; BRCA1- and BRCA2-Associated Hereditary Breast and Ovarian Cancer. Identifiers: Orphanet 145, MedGen C0677776, MeSH D061325, MONDO:0003582. Disease mechanism: loss of function.

Allele frequency attached by ClinVar (database versions not stated): TOPMed below 0.00001.

Submission:

Labcorp Genetics (formerly Invitae), Labcorp
Classification: Uncertain significance for Hereditary breast ovarian cancer syndrome. Last evaluated: 2022-04-29. Review status: criteria provided, single submitter. Criteria: Invitae Variant Classification Sherloc (09022015). Collection method: clinical testing. Allele origin: germline.
Comment: In summary, the available evidence is currently insufficient to determine the role of this variant in disease. Therefore, it has been classified as a Variant of Uncertain Significance. Variants that disrupt the consensus splice site are a relatively common cause of aberrant splicing (PMID: 17576681, 9536098). Algorithms developed to predict the effect of sequence changes on RNA splicing suggest that this variant is not likely to affect RNA splicing. This variant has not been reported in the literature in individuals affected with BRCA2-related conditions. This variant is not present in population databases (gnomAD no frequency). This sequence change falls in intron 23 of the BRCA2 gene. It does not directly change the encoded amino acid sequence of the BRCA2 protein. It affects a nucleotide within the consensus splice site.

Literature cited by the submitters: PubMed 17576681; PubMed 9536098.